The following is an entry in ClinVar:

NM_201384.3(PLEC):c.4340G>A (p.Arg1447Gln)

Gene: PLEC (plectin; minus strand). Cytogenetic location: 8q24.3.
Variant type: single nucleotide variant.
Coding change: c.4340G>A on transcript NM_201384.3 (MANE Select); coding-DNA position 4340, G replaced by A.
Protein change: p.Arg1447Gln; replaces arginine 1447 with glutamine.
Molecular consequence: missense variant.
Genome position (GRCh38, 1-based): chr8:143,925,589, C>T on the plus strand (G>A on the coding strand, the complement: PLEC is on the minus strand). VCF-style: chr8-143925589-C-T. GRCh37 (hg19) VCF-style: chr8-144999757-C-T.
Other names: c.4421G>A, p.Arg1474Gln (NM_000445.5); c.4298G>A, p.Arg1433Gln (NM_201378.4); c.4274G>A, p.Arg1425Gln (NM_201379.3); c.4751G>A, p.Arg1584Gln (NM_201380.4); c.4244G>A, p.Arg1415Gln (NM_201381.3); c.4340G>A, p.Arg1447Gln (NM_201382.4); c.4352G>A, p.Arg1451Gln (NM_201383.3); short protein forms R1415Q, R1433Q, R1447Q, R1474Q, R1584Q, R1451Q, R1425Q.
Identifiers: ClinVar variation 1357737 (VCV001357737.8), dbSNP rs375600751, ClinGen allele CA4926697.

ClinVar aggregate classification (germline): Uncertain significance (1 of 4 stars; one submission).

Conditions:
Epidermolysis bullosa simplex 5B, with muscular dystrophy (EBS5B). Also called: Epidermolysis bullosa simplex with muscular dystrophy; EPIDERMOLYSIS BULLOSA SIMPLEX AND LIMB-GIRDLE MUSCULAR DYSTROPHY. Identifiers: Orphanet 257, MedGen C2931072, MONDO:0009181, OMIM 226670.
Epidermolysis bullosa simplex 5C, with pyloric atresia (EBS5C). Also called: Epidermolysis bullosa simplex with pyloric atresia; PLEC-Related Epidermolysis Bullosa with Pyloric Atresia; PLEC1-Related Epidermolysis Bullosa with Pyloric Atresia. Identifiers: Orphanet 158684, MedGen C2677349, MONDO:0012807, OMIM 612138.
Epidermolysis bullosa simplex with nail dystrophy (EBS5D). Identifiers: MedGen C4225309, MONDO:0014661, OMIM 616487.
Autosomal recessive limb-girdle muscular dystrophy type 2Q (LGMDR17). Also called: MUSCULAR DYSTROPHY, LIMB-GIRDLE, AUTOSOMAL RECESSIVE 17. Identifiers: Orphanet 254361, MedGen C3150989, MONDO:0013390, OMIM 613723.
Epidermolysis bullosa simplex, Ogna type (EBS5A). Also called: Pidermolysis bullosa simplex 5A, Ogna type; EPIDERMOLYSIS BULLOSA SIMPLEX 5A, OGNA TYPE. Identifiers: Orphanet 79401, MedGen C0432317, MONDO:0007555, OMIM 131950.

Allele frequency attached by ClinVar (database versions not stated): gnomAD 0.00001; gnomAD exomes 0.00001; TOPMed 0.00001; ESP Exome Variant Server 0.00009.
gnomAD v4.1: 14 of 1,572,942 alleles (0.00089%); highest among the groups gnomAD compares: South Asian, 0.0068%; no homozygotes.

Submission:

Labcorp Genetics (formerly Invitae), Labcorp
Classification: Uncertain significance for Autosomal recessive limb-girdle muscular dystrophy type 2Q; Epidermolysis bullosa simplex, Ogna type; Epidermolysis bullosa simplex with nail dystrophy; Epidermolysis bullosa simplex 5C, with pyloric atresia; Epidermolysis bullosa simplex 5B, with muscular dystrophy. Last evaluated: 2024-01-06. Review status: criteria provided, single submitter. Criteria: Invitae Variant Classification Sherloc (09022015). Collection method: clinical testing. Allele origin: germline.
Comment: This sequence change replaces arginine, which is basic and polar, with glutamine, which is neutral and polar, at codon 1474 of the PLEC protein (p.Arg1474Gln). This variant is present in population databases (rs375600751, gnomAD 0.007%). This variant has not been reported in the literature in individuals affected with PLEC-related conditions. ClinVar contains an entry for this variant (Variation ID: 1357737). Experimental studies and prediction algorithms are not available or were not evaluated, and the functional significance of this variant is currently unknown. In summary, the available evidence is currently insufficient to determine the role of this variant in disease. Therefore, it has been classified as a Variant of Uncertain Significance.